The following is an entry in ClinVar:

ClinVar aggregate classification (germline): Benign (0 of 4 stars; one submission).

Conditions:
TLR1-related disorder. Also called: TLR1-related condition.

Allele frequency attached by ClinVar (database versions not stated): 1000 Genomes Project 0.00938; 1000 Genomes Project 30x 0.01046; TOPMed 0.01723; gnomAD 0.01749; ESP Exome Variant Server 0.02094; ExAC 0.02210; gnomAD exomes 0.02388.
gnomAD v4.1: 37,378 of 1,613,594 alleles (2.3%); highest among the groups gnomAD compares: Middle Eastern, 2.9%; 555 homozygotes.

Submission:

PreventionGenetics, part of Exact Sciences
Classification: Benign for TLR1-related condition. Last evaluated: 2019-10-31. Review status: no assertion criteria provided. Collection method: clinical testing. Allele origin: germline.
Comment: This variant is classified as benign based on ACMG/AMP sequence variant interpretation guidelines (Richards et al. 2015 PMID: 25741868, with internal and published modifications).

NM_003263.4(TLR1):c.114C>T (p.His38=)

Gene: TLR1 (toll like receptor 1; minus strand). Cytogenetic location: 4p14.
Variant type: single nucleotide variant.
Coding change: c.114C>T on transcript NM_003263.4 (MANE Select); coding-DNA position 114, C replaced by T.
Protein change: p.His38=; no amino-acid change (histidine 38 retained).
Molecular consequence: synonymous variant.
Genome position (GRCh38, 1-based): chr4:38,798,718, G>A on the plus strand (C>T on the coding strand, the complement: TLR1 is on the minus strand). VCF-style: chr4-38798718-G-A. GRCh37 (hg19) VCF-style: chr4-38800339-G-A.
Identifiers: ClinVar variation 3056436 (VCV003056436.2), dbSNP rs5743610, ClinGen allele CA2889604.